The following is an entry in ClinVar:

ClinVar aggregate classification (germline): Pathogenic/Likely pathogenic. Review status: criteria provided, multiple submitters, no conflicts (2 of 4 stars). 11 submissions from 10 submitters: Pathogenic (5); Likely pathogenic (3). 3 of the submissions do not count toward it. Last evaluated 2026-08-01.

Conditions:
Spastic paraplegia 91, autosomal dominant, with or without cerebellar ataxia (SPG91). Identifiers: MedGen C5882701, MONDO:0957813, OMIM 620538.
SPTAN1-related disorder. Also called: SPTAN1-related condition; SPTAN1-related disorders.
Developmental and epileptic encephalopathy, 5 (DEE5). Identifiers: Orphanet 3451, MedGen C3150731, MONDO:0013277, OMIM 613477.
Early-infantile DEE. Also called: Early infantile epileptic encephalopathy; Ohtahara syndrome; Early infantile epileptic encephalopathy with suppression bursts. Identifiers: Orphanet 1934, MedGen C0393706, MONDO:0800491.

Submissions (11):

CeGaT Center for Human Genetics Tuebingen
Classification: Pathogenic. Last evaluated: 2026-08-01. Review status: criteria provided, single submitter. Criteria: CeGaT Center For Human Genetics Tuebingen Variant Classification Criteria Version 2. Collection method: clinical testing. Allele origin: germline. Affected: yes. Observed: 1 variant allele.
Comment: SPTAN1: PP1:Strong, PS4, PM2, PM6, PM4:Supporting

GeneDx
Classification: Pathogenic. Last evaluated: 2026-01-23. Review status: criteria provided, single submitter. Criteria: GeneDx Variant Classification Process June 2021. Collection method: clinical testing. Allele origin: germline.
Comment: Not observed at significant frequency in large population cohorts (gnomAD); In-frame deletion of 1 amino acid(s) in a non-repeat region; In silico analysis supports a deleterious effect on protein structure/function; This variant is associated with the following publications: (PMID: 35150594, 36331550, 39609445, 36408834)

Women's Health and Genetics/Laboratory Corporation of America, LabCorp
Classification: Pathogenic for Developmental and epileptic encephalopathy, 5. Last evaluated: 2026-01-23. Review status: criteria provided, single submitter. Criteria: LabCorp Variant Classification Summary - May 2015. Collection method: clinical testing. Allele origin: germline.
Comment: Variant summary: SPTAN1 c.6247_6249delAAG (p.Lys2083del) results in an in-frame deletion that is predicted to remove 1 amino acid from the encoded protein. The variant was absent in 251430 control chromosomes. c.6247_6249delAAG has been observed in multiple unrelated individuals affected with clinical features of Epileptic Encephalopathy, Early Infantile, 5 and in at least two of the reported cases, this variant is de novo (Van de Vondel_2022, internal data). These data indicate that the variant is very likely to be associated with disease. To our knowledge, no experimental evidence demonstrating an impact on protein function has been reported. The following publications have been ascertained in the context of this evaluation (PMID: 35150594). ClinVar contains an entry for this variant (Variation ID: 844981). Based on the evidence outlined above, the variant was classified as pathogenic.

Dasa
Classification: Likely pathogenic for Spastic paraplegia 91, autosomal dominant, with or without cerebellar ataxia. Last evaluated: 2025-09-25. Review status: criteria provided, single submitter. Criteria: DASA Assertion Criteria. Collection method: clinical testing. Allele origin: germline.
Comment: NM_001130438.3(SPTAN1):c.6247_6249del (p.Lys2083del) is an in-frame deletion predicted to remove lysine at protein position 2083 without shifting the reading frame. This variant has been recurrently observed in individuals with SPTAN1-related disorders (PMID: 36331550; PMID: 35150594). This variant has been reported as a de novo occurrence in an affected individual (PMID: 35150594). Also, this variant is absent from population databases. Based on the currently available evidence, this variant is classified as likely pathogenic.

Variantyx, Inc.
Classification: Likely pathogenic for Spastic paraplegia 91, autosomal dominant, with or without cerebellar ataxia. Last evaluated: 2025-05-15. Review status: criteria provided, single submitter. Criteria: Variantyx Assertion Criteria 2022. Collection method: clinical testing. Allele origin: germline. Inheritance: Autosomal recessive inheritance. Affected: yes.
Comment: This is an in-frame deletion variant in the SPTAN1 gene (OMIM: 182810). Pathogenic variants in this gene have been associated with autosomal dominant spastic paraplegia 91 with or without cerebellar ataxia. This variant likely occurred de novo in individuals reported in the published literature; however, the possibility of parental germline mosaicism cannot be excluded (PMID: 35150594, 36408834) (PS2). This variant causes an in-frame deletion of a single amino acid at position 2083 of the SPTAN1 protein (PM4_Supporting). It has been reported in at least three unrelated affected individuals (PMID: 35150594, 36331550) (PS4_Moderate) and is absent from control populations (PM2). Based on the current evidence, this variant is classified as likely pathogenic for autosomal dominant spastic paraplegia 91 with or without cerebellar ataxia.

PreventionGenetics, part of Exact Sciences
Classification: Pathogenic for SPTAN1-related condition. Last evaluated: 2025-04-27. Review status: criteria provided, single submitter. Criteria: ACMG Guidelines, 2015. Collection method: clinical testing. Allele origin: germline.
Comment: The SPTAN1 c.6247_6249delAAG variant is predicted to result in an in-frame deletion (p.Lys2083del). This variant has been reported in individuals with SPTAN1-related disorders and was observed to occur de novo in two individuals (Van de Vondel et al. 2022. PubMed ID: 35150594; Morsy et al. 2022. PubMed ID: 36331550). This variant has not been reported in a large population database (gnomAD), indicating this variant is rare. Taken together, this variant is interpreted as pathogenic.

Labcorp Genetics (formerly Invitae), Labcorp
Classification: Pathogenic for Early-infantile DEE. Last evaluated: 2024-11-23. Review status: criteria provided, single submitter. Criteria: Invitae Variant Classification Sherloc (09022015). Collection method: clinical testing. Allele origin: germline.
Comment: This variant, c.6247_6249del, results in the deletion of 1 amino acid(s) of the SPTAN1 protein (p.Lys2083del), but otherwise preserves the integrity of the reading frame. This variant is not present in population databases (gnomAD no frequency). This variant has been observed in individual(s) with clinical features of SPTAN1-related conditions (PMID: 35150594; internal data). In at least one individual the variant was observed to be de novo. ClinVar contains an entry for this variant (Variation ID: 844981). Experimental studies and prediction algorithms are not available or were not evaluated, and the functional significance of this variant is currently unknown. For these reasons, this variant has been classified as Pathogenic.

Institute of Medical Genetics and Applied Genomics, University Hospital Tübingen
Classification: Likely pathogenic for Spastic paraplegia 91, autosomal dominant, with or without cerebellar ataxia. Last evaluated: 2023-11-07. Review status: criteria provided, single submitter. Criteria: ACMG Guidelines, 2015. Collection method: clinical testing. Allele origin: germline. Inheritance: Autosomal dominant inheritance. Affected: yes.

OMIM
Classification: Pathogenic for SPASTIC PARAPLEGIA 91, AUTOSOMAL DOMINANT, WITH OR WITHOUT CEREBELLAR ATAXIA. Last evaluated: 2023-11-08. Review status: no assertion criteria provided. Collection method: literature only. Allele origin: germline. Not counted in ClinVar's aggregate classification.

OMIM
Classification: Pathogenic for DEVELOPMENTAL AND EPILEPTIC ENCEPHALOPATHY 5. Last evaluated: 2023-11-08. Review status: no assertion criteria provided. Collection method: literature only. Allele origin: germline. Not counted in ClinVar's aggregate classification.

Solve-RD Consortium
Classification: Likely pathogenic for Developmental and epileptic encephalopathy, 5. Last evaluated: 2022-06-01. Review status: no assertion criteria provided. Collection method: provider interpretation. Allele origin: inherited. Affected: yes. Observed: 2 variant alleles. Not counted in ClinVar's aggregate classification.
Comment: Variant confirmed as disease-causing by referring clinical team

Variant identified during reanalysis of unsolved cases by the Solve-RD project. The Solve-RD project has received funding from the European Union’s Horizon 2020 research and innovation programme under grant agreement No 779257.

Literature cited by the submitters: PubMed 35150594 (cited by 5 submitters); PubMed 36331550 (cited by Dasa and OMIM); PubMed 36408834 (cited by Variantyx, Inc.); PubMed 39825153 (cited by Solve-RD Consortium).

NM_001130438.3(SPTAN1):c.6241AAG[2] (p.Lys2083del)

Gene: SPTAN1 (spectrin alpha, non-erythrocytic 1; plus strand). Cytogenetic location: 9q34.11.
Variant type: Microsatellite.
Coding change: c.6241AAG[2] on transcript NM_001130438.3 (MANE Select); two copies in a row of the 3-base unit AAG starting at c.6241; the reference has three copies in a row; one copy, 3 bases deleted; also written c.6247_6249del.
Protein change: p.Lys2083del; deletes lysine 2083.
Molecular consequence: inframe deletion.
Genome position (GRCh38, 1-based): chr9:128,625,946-128,625,948, AAG deleted; deleting any 3 consecutive bases within chr9:128,625,940-128,625,948 gives the same sequence; the position shown is the placement nearest the transcript's 3' end. VCF-style (leftmost placement, unchanged base first): chr9-128625939-CAAG-C. GRCh37 (hg19) VCF-style: chr9-131388218-CAAG-C.
Other names: c.6166AAG[2], p.Lys2058del (NM_001195532.2); c.6241AAG[2], p.Lys2083del (NM_001363759.2, NM_001375310.1, NM_001375311.2 and 1 more transcripts); c.6247_6249del (NM_001130438.3); c.6247_6249delAAG (NM_001130438.2, NM_001130438.3); c.6181AAG[2], p.Lys2063del (NM_001363765.2, NM_001375314.2); c.6277AAG[2], p.Lys2095del (NM_001375312.2, NM_001375318.1); c.6226AAG[2], p.Lys2078del (NM_003127.4); short protein forms K2058del, K2083del, K2095del, K2063del, K2078del.
Identifiers: ClinVar variation 844981 (VCV000844981.19), dbSNP rs1858669268, ClinGen allele CA645542588.